The following is an entry in ClinVar:

ClinVar aggregate classification (germline): Likely benign (1 of 4 stars; one submission).

Conditions:
VPS13B-related disorder. Also called: VPS13B-related condition.

gnomAD v4.1: 1 of 1,614,110 alleles (0.000062%); highest among the groups gnomAD compares: Non-Finnish European, 0.000085%; no homozygotes.

Submission:

PreventionGenetics, part of Exact Sciences
Classification: Likely benign for VPS13B-related condition. Last evaluated: 2026-06-29. Review status: criteria provided, single submitter. Criteria: ACMG Guidelines, 2015. Collection method: clinical testing. Allele origin: germline.
Comment: This variant is classified as likely benign based on ACMG/AMP sequence variant interpretation guidelines (Richards et al. 2015 PMID: 25741868, with internal and published modifications).

NM_017890.5(VPS13B):c.4275T>C (p.Ser1425=)

Gene: VPS13B (vacuolar protein sorting 13 homolog B; plus strand). Cytogenetic location: 8q22.2.
Variant type: single nucleotide variant.
Coding change: c.4275T>C on transcript NM_017890.5 (MANE Plus Clinical); coding-DNA position 4275, T replaced by C.
Protein change: p.Ser1425=; no amino-acid change (serine 1425 retained).
Molecular consequence: synonymous variant. On other transcripts: intron variant (1).
Genome position (GRCh38, 1-based): chr8:99,507,887, T>C. VCF-style: chr8-99507887-T-C. GRCh37 (hg19) VCF-style: chr8-100520115-T-C.
Other names: c.4224+684T>C (NM_152564.5).
Identifiers: ClinVar variation 5002625 (VCV005002625.1).